The following is an entry in ClinVar:

NM_001040108.2(MLH3):c.1615G>A (p.Ala539Thr)

Gene: MLH3 (mutL homolog 3; minus strand). Cytogenetic location: 14q24.3.
Variant type: single nucleotide variant.
Coding change: c.1615G>A on transcript NM_001040108.2 (MANE Select); coding-DNA position 1615, G replaced by A.
Protein change: p.Ala539Thr; replaces alanine 539 with threonine.
Molecular consequence: missense variant.
Genome position (GRCh38, 1-based): chr14:75,048,041, C>T on the plus strand (G>A on the coding strand, the complement: MLH3 is on the minus strand). VCF-style: chr14-75048041-C-T. GRCh37 (hg19) VCF-style: chr14-75514744-C-T.
Other names: c.1615G>A, p.Ala539Thr (NM_014381.3); short protein forms A539T.
Identifiers: ClinVar variation 1046022 (VCV001046022.11), dbSNP rs369273391, ClinGen allele CA263652946.

ClinVar aggregate classification (germline): Conflicting classifications of pathogenicity. Review status: criteria provided, conflicting classifications (1 of 4 stars). 2 submissions from 2 submitters: Uncertain significance (1); Likely benign (1). Last evaluated 2024-03-26.

Conditions:
Colorectal cancer, hereditary nonpolyposis, type 7. Identifiers: Orphanet 144, MedGen C1858380, MONDO:0013725, OMIM 614385.

Allele frequency attached by ClinVar (database versions not stated): gnomAD exomes below 0.00001; TOPMed below 0.00001; gnomAD 0.00001; ESP Exome Variant Server 0.00008.
gnomAD v4.1: 3 of 1,613,690 alleles (0.00019%); highest among the groups gnomAD compares: Non-Finnish European, 0.00025%; no homozygotes.

Submissions (2):

Ambry Genetics
Classification: Likely benign. Last evaluated: 2024-03-26. Review status: criteria provided, single submitter. Criteria: Ambry Variant Classification Scheme 2023. Collection method: clinical testing. Allele origin: germline.

Labcorp Genetics (formerly Invitae), Labcorp
Classification: Uncertain significance for Colorectal cancer, hereditary nonpolyposis, type 7. Last evaluated: 2020-01-27. Review status: criteria provided, single submitter. Criteria: Invitae Variant Classification Sherloc (09022015). Collection method: clinical testing. Allele origin: germline.
Comment: This sequence change replaces alanine with threonine at codon 539 of the MLH3 protein (p.Ala539Thr). The alanine residue is weakly conserved and there is a small physicochemical difference between alanine and threonine. This variant is not present in population databases (ExAC no frequency). This variant has not been reported in the literature in individuals with MLH3-related conditions. Algorithms developed to predict the effect of missense changes on protein structure and function output the following: SIFT: "Tolerated"; PolyPhen-2: "Benign"; Align-GVGD: "Class C0". The threonine amino acid residue is found in multiple mammalian species, suggesting that this missense change does not adversely affect protein function. These predictions have not been confirmed by published functional studies and their clinical significance is uncertain. In summary, the available evidence is currently insufficient to determine the role of this variant in disease. Therefore, it has been classified as a Variant of Uncertain Significance.